The following is an entry in ClinVar:

NM_002734.5(PRKAR1A):c.374dup (p.Met125fs)

Gene: PRKAR1A (protein kinase cAMP-dependent type I regulatory subunit alpha; plus strand). Cytogenetic location: 17q24.2.
Variant type: Duplication.
Coding change: c.374dup on transcript NM_002734.5 (MANE Select); coding-DNA position 374, one base duplicated (T; older notation c.374dupT).
Protein change: p.Met125fs; shifts the reading frame from methionine 125.
Molecular consequence: frameshift variant.
Genome position (GRCh38, 1-based): chr17:68,523,750, T duplicated. VCF-style (leftmost placement, unchanged base first): chr17-68523749-A-AT. GRCh37 (hg19) VCF-style: chr17-66519890-A-AT.
Other names: c.374dup, p.Met125fs (NM_001276289.2, NM_001276290.1, NM_001278433.2 and 4 more transcripts); short protein forms M125fs.
Identifiers: ClinVar variation 280210 (VCV000280210.2), dbSNP rs886041457, ClinGen allele CA10603404.

ClinVar aggregate classification (germline): Pathogenic (1 of 4 stars; one submission).

Submission:

GeneDx
Classification: Pathogenic. Last evaluated: 2016-07-13. Review status: criteria provided, single submitter. Criteria: GeneDx Variant Classification (06012015). Collection method: clinical testing. Allele origin: germline. Affected: yes.
Comment: The c.374dupT pathogenic variant in the PRKAR1A gene causes a frameshift starting with codon Methionine 125, changes this amino acid to an Isoleucine residue and creates a premature Stop codon at position 9 of the new reading frame, denoted p.Met125IlefsX9. This pathogenic variant is predicted to cause loss of normal protein function either through protein truncation or nonsense-mediated mRNA decay. The c.374dupT variant was not observed in approximately 6,500 individuals of European and African American ancestry in the NHLBI Exome Sequencing Project, indicating it is not a common benign variant in these populations.